The following is an entry in ClinVar:

NM_005236.3(ERCC4):c.90C>G (p.Asp30Glu)

Genes: ERCC4 (ERCC excision repair 4, endonuclease catalytic subunit; plus strand), LOC130058543 (ATAC-STARR-seq lymphoblastoid active region 10486; plus strand). Cytogenetic location: 16p13.12.
Variant type: single nucleotide variant.
Coding change: c.90C>G on transcript NM_005236.3 (MANE Select); coding-DNA position 90, C replaced by G.
Protein change: p.Asp30Glu; replaces aspartic acid 30 with glutamic acid.
Molecular consequence: missense variant.
Genome position (GRCh38, 1-based): chr16:13,920,255, C>G. VCF-style: chr16-13920255-C-G. GRCh37 (hg19) VCF-style: chr16-14014112-C-G.
Other names: short protein forms D30E.
Identifiers: ClinVar variation 2948044 (VCV002948044.3), dbSNP rs1304744260, ClinGen allele CA394816117.

ClinVar aggregate classification (germline): Uncertain significance (1 of 4 stars; one submission).

Conditions:
Xeroderma pigmentosum, group F (XPF). Also called: XERODERMA PIGMENTOSUM, COMPLEMENTATION GROUP F; XERODERMA PIGMENTOSUM VI; XP, GROUP F; ERCC4-Related Xeroderma Pigmentosum; XERODERMA PIGMENTOSUM, TYPE F; Xeroderma pigmentosum, type 6. Identifiers: MedGen C0268140, MONDO:0010215, OMIM 278760.
Fanconi anemia complementation group Q. Identifiers: Orphanet 84, MedGen C3808988, MONDO:0014108, OMIM 615272.
Cockayne syndrome. Identifiers: Orphanet 191, MedGen C0009207, MONDO:0016006.

Allele frequency attached by ClinVar (database versions not stated): TOPMed 0.00001.

Submission:

Labcorp Genetics (formerly Invitae), Labcorp
Classification: Uncertain significance for Fanconi anemia complementation group Q; Xeroderma pigmentosum, group F; Cockayne syndrome. Last evaluated: 2023-07-25. Review status: criteria provided, single submitter. Criteria: Invitae Variant Classification Sherloc (09022015). Collection method: clinical testing. Allele origin: germline.
Comment: This sequence change replaces aspartic acid, which is acidic and polar, with glutamic acid, which is acidic and polar, at codon 30 of the ERCC4 protein (p.Asp30Glu). This variant is not present in population databases (gnomAD no frequency). This variant has not been reported in the literature in individuals affected with ERCC4-related conditions. Advanced modeling of protein sequence and biophysical properties (such as structural, functional, and spatial information, amino acid conservation, physicochemical variation, residue mobility, and thermodynamic stability) performed at Invitae indicates that this missense variant is expected to disrupt ERCC4 protein function. In summary, the available evidence is currently insufficient to determine the role of this variant in disease. Therefore, it has been classified as a Variant of Uncertain Significance.